The following is an entry in ClinVar:

NM_000518.5(HBB):c.276G>T (p.Leu92=)

Genes: HBB (hemoglobin subunit beta; minus strand), LOC106099062 (HBB recombination region; plus strand), LOC107133510 (origin of replication at HBB; plus strand). Cytogenetic location: 11p15.4.
Variant type: single nucleotide variant.
Coding change: c.276G>T on transcript NM_000518.5 (MANE Select); coding-DNA position 276, G replaced by T.
Protein change: p.Leu92=; no amino-acid change (leucine 92 retained).
Molecular consequence: synonymous variant.
Genome position (GRCh38, 1-based): chr11:5,226,616, C>A on the plus strand (G>T on the coding strand, the complement: HBB is on the minus strand). VCF-style: chr11-5226616-C-A. GRCh37 (hg19) VCF-style: chr11-5247846-C-A.
Identifiers: ClinVar variation 2577313 (VCV002577313.1), dbSNP rs1589892429, ClinGen allele CA472885704.

ClinVar aggregate classification (germline): Likely benign (1 of 4 stars; one submission).

gnomAD v4.1: 1 of 1,614,114 alleles (0.000062%); no homozygotes.

Submission:

Women's Health and Genetics/Laboratory Corporation of America, LabCorp
Classification: Likely benign. Last evaluated: 2023-07-26. Review status: criteria provided, single submitter. Criteria: LabCorp Variant Classification Summary - May 2015. Collection method: clinical testing. Allele origin: germline.
Comment: Variant summary: HBB c.276G>T alters a non-conserved nucleotide resulting in a synonymous change. Computational tools predict no significant impact on normal splicing. However, these predictions have yet to be confirmed by functional studies. The variant was absent in 251422 control chromosomes (gnomAD). The available data on variant occurrences in the general population are insufficient to allow any conclusion about variant significance. To our knowledge, no occurrence of c.276G>T in individuals affected with Beta Thalassemia and no experimental evidence demonstrating its impact on protein function have been reported. One submitter has provided a clinical-significance assessment for this variant to ClinVar after 2014 and has classified the variant as likely benign. Based on the evidence outlined above, the variant was classified as likely benign.